The following is an entry in ClinVar:

ClinVar aggregate classification (germline): Likely benign (0 of 4 stars; one submission).

Conditions:
VRK1-related disorder. Also called: VRK1-related condition.

Allele frequency attached by ClinVar (database versions not stated): ExAC 0.00002; gnomAD 0.00005; TOPMed 0.00006; ESP Exome Variant Server 0.00015.
gnomAD v4.1: 14 of 1,613,148 alleles (0.00087%); highest among the groups gnomAD compares: African/African-American, 0.017%; no homozygotes.

Submission:

PreventionGenetics, part of Exact Sciences
Classification: Likely benign for VRK1-related condition. Last evaluated: 2019-04-01. Review status: no assertion criteria provided. Collection method: clinical testing. Allele origin: germline.
Comment: This variant is classified as likely benign based on ACMG/AMP sequence variant interpretation guidelines (Richards et al. 2015 PMID: 25741868, with internal and published modifications).

NM_003384.3(VRK1):c.-5-4A>G

Gene: VRK1 (VRK serine/threonine kinase 1; plus strand). Cytogenetic location: 14q32.2.
Variant type: single nucleotide variant.
Coding change: c.-5-4A>G on transcript NM_003384.3 (MANE Select); 4 bases into the intron before 5 bases upstream of the start codon, A replaced by G.
Molecular consequence: intron variant.
Genome position (GRCh38, 1-based): chr14:96,833,463, A>G. VCF-style: chr14-96833463-A-G. GRCh37 (hg19) VCF-style: chr14-97299800-A-G.
Other names: c.-5-4A>G (NM_001411051.1, NM_001411053.1).
Identifiers: ClinVar variation 3058377 (VCV003058377.2), dbSNP rs371489397, ClinGen allele CA7338831.